The following is an entry in ClinVar:

ClinVar aggregate classification (germline): Pathogenic/Likely pathogenic. Review status: criteria provided, multiple submitters, no conflicts (2 of 4 stars). 3 submissions from 3 submitters: Pathogenic (1); Likely pathogenic (1). 1 of the submissions does not count toward it. Last evaluated 2019-10-23.

Conditions:
Pyruvate dehydrogenase E1-alpha deficiency (PDHAD). Also called: Ataxia, intermittent, with pyruvate dehydrogenase, or decarboxylase, deficiency; ATAXIA WITH LACTIC ACIDOSIS I; ATAXIA, INTERMITTENT, WITH PYRUVATE DEHYDROGENASE DEFICIENCY; ATAXIA, INTERMITTENT, WITH ABNORMAL PYRUVATE METABOLISM. Identifiers: Orphanet 79243, MedGen C1839413, MONDO:0010717, OMIM 312170.

Submissions (4):

Institute of Human Genetics Munich, TUM University Hospital
Classification: Pathogenic for Pyruvate dehydrogenase E1-alpha deficiency. Last evaluated: 2019-10-23. Review status: criteria provided, single submitter. Criteria: Classification criteria August 2017. Collection method: clinical testing. Allele origin: de novo. Inheritance: X-linked inheritance. Affected: yes. Observed: 1 heterozygote.

GeneDx
Classification: Likely pathogenic. Last evaluated: 2016-05-05. Review status: criteria provided, single submitter. Criteria: GeneDx Variant Classification (06012015). Collection method: clinical testing. Allele origin: germline. Affected: yes.
Comment: The c.738C>T variant in the PDHA1 gene has not been reported previously as a pathogenic variant, nor as a benign variant, to our knowledge. The c.738C>T variant was not observed in approximately 6,500 individuals of European and African American ancestry in the NHLBI Exome Sequencing Project, indicating it is not a common benign variant in these populations. Multiple in silico algorithms predict that c.738C>T may create a cryptic donor site upstream of the natural donor site of intron 7. However, in the absence of RNA/functional studies, the actual effect of c.738C>T is unknown. The c.738C>T variant is a strong candidate for a pathogenic variant. However, the possibility it may be a rare benign variant cannot be excluded.

PDHA1 Study Group, University Children’s Hospital, Paracelsus Medical University
Classification: Pathogenic for Pyruvate dehydrogenase E1-alpha deficiency. Last evaluated: 2024-10-15. Review status: no assertion criteria provided. Collection method: research. Allele origin: germline. Affected: yes. Observed: 2 variant alleles. Not counted in ClinVar's aggregate classification.
Comment: The NM_000284.3:c.738C>T (p.?) variant affects splicing in PDHA1 gene. In total, 2 individuals were diagnosed with PDHA1-related Pyruvate dehydrogenase complex (PDHc) deficiency (MIM #312170). The variant has been reported in 1 published case (PMIDs: 28918066). Last literature search: July 12, 2024. This variant is absent or extremely rare in population-based cohorts in the Genome Aggregation Database (gnomAD). Individuals harboring this variant presented with clinical features compatible with PDHA1-related PDHc deficiency. In summary, this variant meets criteria to be classified as pathogenic (P) for PDHA1-related PDHc deficiency based on the ACMG/AMP criteria applied: PS3, PM2, PM7, PP5, PP6 (last assessment October 15, 2024).

Dr. Peter K. Rogan Lab, Western University
No classification provided (evidence only). Condition: Thyroid cancer, nonmedullary, 1. Review status: no classification provided. Collection method: in vitro. Allele origin: not applicable. Functional consequence: retained intron. Not counted in ClinVar's aggregate classification.

Literature cited by the submitters: PubMed 28918066 (cited by PDHA1 Study Group, University Children’s Hospital, Paracelsus Medical University); DOI 10.1093/brain/awaf430 (cited by PDHA1 Study Group, University Children’s Hospital, Paracelsus Medical University).

NM_000284.4(PDHA1):c.738C>T (p.Gly246=)

Gene: PDHA1 (pyruvate dehydrogenase E1 subunit alpha 1; plus strand). Cytogenetic location: Xp22.12.
Variant type: single nucleotide variant.
Coding change: c.738C>T on transcript NM_000284.4 (MANE Select); coding-DNA position 738, C replaced by T.
Protein change: p.Gly246=; no amino-acid change (glycine 246 retained).
Molecular consequence: synonymous variant.
Genome position (GRCh38, 1-based): chrX:19,355,483, C>T. VCF-style: chrX-19355483-C-T. GRCh37 (hg19) VCF-style: chrX-19373601-C-T.
Other names: NC_000023.10:g.19373601C>T; c.852C>T, p.Gly284= (NM_001173454.2); c.759C>T, p.Gly253= (NM_001173455.2); c.645C>T, p.Gly215= (NM_001173456.2).
Identifiers: ClinVar variation 432160 (VCV000432160.7), dbSNP rs1555934379, ClinGen allele CA515486060.